The following is an entry in ClinVar:

NM_001004334.4(GPR179):c.619G>C (p.Gly207Arg)

Gene: GPR179 (G protein-coupled receptor 179; minus strand). Cytogenetic location: 17q12.
Variant type: single nucleotide variant.
Coding change: c.619G>C on transcript NM_001004334.4 (MANE Select); coding-DNA position 619, G replaced by C.
Protein change: p.Gly207Arg; replaces glycine 207 with arginine.
Molecular consequence: missense variant.
Genome position (GRCh38, 1-based): chr17:38,343,171, C>G on the plus strand (G>C on the coding strand, the complement: GPR179 is on the minus strand). VCF-style: chr17-38343171-C-G. GRCh37 (hg19) VCF-style: chr17-36499054-C-G.
Other names: short protein forms G207R.
Identifiers: ClinVar variation 1301551 (VCV001301551.4), dbSNP rs1329542100, ClinGen allele CA398888846.
Genomic context (GRCh38, chr17:38,343,171, plus strand): 5'-CCTGCTGCGTGTCCCCCACATATCCATCTGCCTGCGGCCACTTGGGGCTGCCGAGGCTCC[C>G]TAGGTCATTGGTCAACACTCGCTTCTTCAGGGCAGGGGTGTCCAGGTCCCCAGGAGGGTT-3'
Protein context (NP_001004334.3, residues 197-217): LKKRVLTNDL[Gly207Arg]SLGSPKWPQA

ClinVar aggregate classification (germline): Conflicting classifications of pathogenicity. Review status: criteria provided, conflicting classifications (1 of 4 stars). 2 submissions from 2 submitters: Uncertain significance (1); Likely benign (1). Last evaluated 2024-09-12.

Conditions:
Congenital stationary night blindness 1E. Also called: Night blindness, congenital stationary (complete), 1E, autosomal recessive. Identifiers: Orphanet 215, MedGen C3281215, MONDO:0013807, OMIM 614565.

Allele frequency attached by ClinVar (database versions not stated): gnomAD exomes 0.00002.
gnomAD v4.1: 16 of 1,614,132 alleles (0.00099%); highest among the groups gnomAD compares: South Asian, 0.018%; no homozygotes.

Submissions (2):

Labcorp Genetics (formerly Invitae), Labcorp
Classification: Uncertain significance. Last evaluated: 2024-09-12. Review status: criteria provided, single submitter. Criteria: Invitae Variant Classification Sherloc (09022015). Collection method: clinical testing. Allele origin: germline.
Comment: This sequence change replaces glycine, which is neutral and non-polar, with arginine, which is basic and polar, at codon 207 of the GPR179 protein (p.Gly207Arg). This variant is present in population databases (no rsID available, gnomAD 0.02%). This variant has not been reported in the literature in individuals affected with GPR179-related conditions. ClinVar contains an entry for this variant (Variation ID: 1301551). An algorithm developed to predict the effect of missense changes on protein structure and function outputs the following: PolyPhen-2: "Benign". The arginine amino acid residue is found in multiple mammalian species, which suggests that this missense change does not adversely affect protein function. In summary, the available evidence is currently insufficient to determine the role of this variant in disease. Therefore, it has been classified as a Variant of Uncertain Significance.

Dubai Health Genomic Medicine Center, Dubai Health
Classification: Likely benign for Congenital stationary night blindness 1E. Last evaluated: 2020-07-05. Review status: criteria provided, single submitter. Criteria: ACMG Guidelines, 2015. Collection method: clinical testing. Allele origin: germline. Affected: yes.